The following is an entry in ClinVar:

ClinVar aggregate classification (germline): Uncertain significance (1 of 4 stars; one submission).

Allele frequency attached by ClinVar (database versions not stated): gnomAD exomes 0.00001.
gnomAD v4.1: 9 of 1,613,662 alleles (0.00056%); highest among the groups gnomAD compares: South Asian, 0.0011%; no homozygotes.

Submission:

Labcorp Genetics (formerly Invitae), Labcorp
Classification: Uncertain significance. Last evaluated: 2025-12-20. Review status: criteria provided, single submitter. Criteria: Invitae Variant Classification Sherloc (09022015). Collection method: clinical testing. Allele origin: germline.
Comment: This sequence change replaces arginine, which is basic and polar, with glutamine, which is neutral and polar, at codon 459 of the NLRP1 protein (p.Arg459Gln). This variant is present in population databases (no rsID available, gnomAD 0.003%). This variant has not been reported in the literature in individuals affected with NLRP1-related conditions. ClinVar contains an entry for this variant (Variation ID: 1422810). An algorithm developed to predict the effect of missense changes on protein structure and function outputs the following: PolyPhen-2: "Probably Damaging". The glutamine amino acid residue is found in multiple mammalian species, which suggests that this missense change does not adversely affect protein function. In summary, the available evidence is currently insufficient to determine the role of this variant in disease. Therefore, it has been classified as a Variant of Uncertain Significance.

NM_033004.4(NLRP1):c.1376G>A (p.Arg459Gln)

Gene: NLRP1 (NLR family pyrin domain containing 1; minus strand). Cytogenetic location: 17p13.2.
Variant type: single nucleotide variant.
Coding change: c.1376G>A on transcript NM_033004.4 (MANE Select); coding-DNA position 1376, G replaced by A.
Protein change: p.Arg459Gln; replaces arginine 459 with glutamine.
Molecular consequence: missense variant.
Genome position (GRCh38, 1-based): chr17:5,559,320, C>T on the plus strand (G>A on the coding strand, the complement: NLRP1 is on the minus strand). VCF-style: chr17-5559320-C-T. GRCh37 (hg19) VCF-style: chr17-5462640-C-T.
Other names: c.1376G>A, p.Arg459Gln (NM_001033053.3, NM_014922.5, NM_033006.4 and 1 more transcripts); short protein forms R459Q.
Identifiers: ClinVar variation 1422810 (VCV001422810.8), dbSNP rs753132266, ClinGen allele CA397385986.